The following is an entry in ClinVar:

NM_006767.4(LZTR1):c.1426C>T (p.Gln476Ter)

Gene: LZTR1 (leucine zipper like post translational regulator 1; plus strand). Cytogenetic location: 22q11.21.
Variant type: single nucleotide variant.
Coding change: c.1426C>T on transcript NM_006767.4 (MANE Select); coding-DNA position 1426, C replaced by T.
Protein change: p.Gln476Ter; replaces glutamine 476 with a stop codon.
Molecular consequence: nonsense.
Genome position (GRCh38, 1-based): chr22:20,993,996, C>T. VCF-style: chr22-20993996-C-T. GRCh37 (hg19) VCF-style: chr22-21348285-C-T.
Other names: short protein forms Q476*.
Identifiers: ClinVar variation 1772377 (VCV001772377.7), dbSNP rs764446835, ClinGen allele CA10118881.

ClinVar aggregate classification (germline): Pathogenic. Review status: criteria provided, multiple submitters, no conflicts (2 of 4 stars). 2 submissions from 2 submitters: Pathogenic (2). Last evaluated 2025-12-10.

Conditions:
Cardiovascular phenotype. Identifiers: MedGen CN230736.
Hereditary cancer-predisposing syndrome. Also called: Neoplastic Syndromes, Hereditary; Tumor predisposition; Hereditary Cancer Syndrome; Hereditary neoplastic syndrome. Identifiers: Orphanet 140162, MedGen C0027672, MeSH D009386, MONDO:0015356.

Allele frequency attached by ClinVar (database versions not stated): gnomAD 0.00001; gnomAD exomes 0.00001; TOPMed 0.00001; ExAC 0.00002.
gnomAD v4.1: 10 of 1,611,086 alleles (0.00062%); highest among the groups gnomAD compares: Non-Finnish European, 0.00076%; no homozygotes.

Submissions (3):

Labcorp Genetics (formerly Invitae), Labcorp
Classification: Pathogenic. Last evaluated: 2025-12-10. Review status: criteria provided, single submitter. Criteria: Invitae Variant Classification Sherloc (09022015). Collection method: clinical testing. Allele origin: germline.
Comment: This sequence change creates a premature translational stop signal (p.Gln476*) in the LZTR1 gene. It is expected to result in an absent or disrupted protein product. Loss-of-function variants in LZTR1 are known to be pathogenic (PMID: 24362817, 25335493, 25480913, 25795793, 29469822, 30368668, 30442762, 30442766, 30481304, 30859559). This variant is present in population databases (rs764446835, gnomAD 0.0009%). This variant has not been reported in the literature in individuals affected with LZTR1-related conditions. ClinVar contains an entry for this variant (Variation ID: 1772377). For these reasons, this variant has been classified as Pathogenic.

Ambry Genetics
Classification: Pathogenic for Cardiovascular phenotype; Hereditary cancer-predisposing syndrome. Last evaluated: 2025-03-16. Review status: criteria provided, single submitter. Criteria: Ambry Variant Classification Scheme 2023. Collection method: clinical testing. Allele origin: germline.
Comment: The p.Q476* variant (also known as c.1426C>T), located in coding exon 13 of the LZTR1 gene, results from a C to T substitution at nucleotide position 1426. This changes the amino acid from a glutamine to a stop codon within coding exon 13. This alteration is expected to result in loss of function by premature protein truncation or nonsense-mediated mRNA decay. Loss-of-function variants in LZTR1 are related to an increased risk for schwannomas and autosomal recessive Noonan syndrome; however, such associations with autosomal dominant Noonan syndrome have not been observed (Piotrowski A et al. Nat Genet. 2014 Feb;46:182-7; Yamamoto GL et al. J Med Genet. 2015 Jun;52:413-21; Johnston JJ et al. Genet Med. 2018 10;20:1175-1185). Based on the supporting evidence, this variant is pathogenic for an increased risk of LZTR1-related schwannomatosis (SWN) and would be expected to cause autosomal recessive Noonan syndrome when present along with a second pathogenic or likely pathogenic variant on the other allele; however, the association of this alteration with autosomal dominant Noonan syndrome is unlikely.

Dr. Peter K. Rogan Lab, Western University
No classification provided (evidence only). Condition: Gastric cancer. Review status: no classification provided. Collection method: in vitro. Allele origin: not applicable. Functional consequence: retained intron. Not counted in ClinVar's aggregate classification.

Literature cited by the submitters: PubMed 24362817 (cited by Labcorp Genetics (formerly Invitae), Labcorp); PubMed 25335493 (cited by Labcorp Genetics (formerly Invitae), Labcorp); PubMed 25480913 (cited by Labcorp Genetics (formerly Invitae), Labcorp); PubMed 25795793 (cited by Labcorp Genetics (formerly Invitae), Labcorp); PubMed 29469822 (cited by Labcorp Genetics (formerly Invitae), Labcorp); PubMed 30368668 (cited by Labcorp Genetics (formerly Invitae), Labcorp); PubMed 30442762 (cited by Labcorp Genetics (formerly Invitae), Labcorp); PubMed 30442766 (cited by Labcorp Genetics (formerly Invitae), Labcorp); PubMed 30481304 (cited by Labcorp Genetics (formerly Invitae), Labcorp); PubMed 30859559 (cited by Labcorp Genetics (formerly Invitae), Labcorp).